The following is an entry in ClinVar:

ClinVar aggregate classification (germline): Likely benign (1 of 4 stars; one submission).

Conditions:
PPARG-related disorder. Also called: PPARG-related condition; PPARG-related disorders.

Submission:

PreventionGenetics, part of Exact Sciences
Classification: Likely benign for PPARG-related condition. Last evaluated: 2025-03-06. Review status: criteria provided, single submitter. Criteria: ACMG Guidelines, 2015. Collection method: clinical testing. Allele origin: germline.
Comment: This variant is classified as likely benign based on ACMG/AMP sequence variant interpretation guidelines (Richards et al. 2015 PMID: 25741868, with internal and published modifications).

NM_138711.6(PPARG):c.220+8G>A

Gene: PPARG (peroxisome proliferator activated receptor gamma; plus strand). Cytogenetic location: 3p25.2.
Variant type: single nucleotide variant.
Coding change: c.220+8G>A on transcript NM_138711.6 (MANE Select); 8 bases into the intron after coding-DNA position 220, G replaced by A.
Molecular consequence: intron variant.
Genome position (GRCh38, 1-based): chr3:12,379,939, G>A. VCF-style: chr3-12379939-G-A. GRCh37 (hg19) VCF-style: chr3-12421438-G-A.
Other names: c.220+8G>A (NM_001354666.3, NM_138712.5, NM_005037.7 and 6 more transcripts); c.-208+8G>A (NM_001354669.2); c.226+8G>A (NM_001374266.1, NM_001354670.2); c.310+8G>A (NM_015869.5, NM_001374265.1, NM_001354668.2).
Identifiers: ClinVar variation 4986766 (VCV004986766.1).
Genomic context (GRCh38, chr3:12,379,939, plus strand): 5'-AGATCCAGTGGTTGCAGATTACAAGTATGACCTGAAACTTCAAGAGTACCAAAGTATGAT[G>A]TTTATTTTCACTTTTCAGACTACTAGGACTAGAATTGGACTCATCTCTCAGTAACCCTGT-3'